The following is an entry in ClinVar:

NM_000173.7(GP1BA):c.1620G>A (p.Trp540Ter)

Gene: GP1BA (glycoprotein Ib platelet subunit alpha; plus strand). Cytogenetic location: 17p13.2.
Variant type: single nucleotide variant.
Coding change: c.1620G>A on transcript NM_000173.7 (MANE Select); coding-DNA position 1620, G replaced by A.
Protein change: p.Trp540Ter; replaces tryptophan 540 with a stop codon.
Molecular consequence: nonsense.
Genome position (GRCh38, 1-based): chr17:4,934,224, G>A. VCF-style: chr17-4934224-G-A. GRCh37 (hg19) VCF-style: chr17-4837519-G-A.
Other names: W498*; NM_000173.7(GP1BA):c.1620G>A; p.Trp540Ter; short protein forms W540*.
Identifiers: ClinVar variation 4157 (VCV000004157.13), dbSNP rs267606849, ClinGen allele CA116663.

ClinVar aggregate classification (germline): Pathogenic. Review status: reviewed by expert panel (3 of 4 stars). 5 submissions from 5 submitters: Pathogenic (1). 4 of the submissions do not count toward it. Last evaluated 2025-09-04.

Conditions:
Pseudo von Willebrand disease (VWDP). Also called: BLEEDING DISORDER, PLATELET-TYPE, 3; Platelet-type von Willebrand disease. Identifiers: Orphanet 52530, MedGen C1280798, MONDO:0008332, OMIM 177820.
Bernard-Soulier syndrome, type A2, autosomal dominant (BSSA2). Also called: Bernard-Soulier syndrome, type A2 (dominant). Identifiers: Orphanet 274, MedGen C3277076, MONDO:0007930, OMIM 153670.
Bernard Soulier syndrome (BSS). Also called: GLYCOPROTEIN Ib, PLATELET, DEFICIENCY OF; BLEEDING DISORDER, PLATELET-TYPE, 1; PLATELET GLYCOPROTEIN Ib DEFICIENCY; VON WILLEBRAND FACTOR RECEPTOR DEFICIENCY; Giant platelet syndrome; Hemorrhagiparous thrombocytic dystrophy. Identifiers: Orphanet 274, MedGen C0005129, MeSH D001606, MONDO:0009276, OMIM 231200.
Nonarteritic anterior ischemic optic neuropathy, susceptibility to (NAION). Also called: NAION, SUSCEPTIBILITY TO; OPTIC NEUROPATHY, ANTERIOR ISCHEMIC, SUSCEPTIBILITY TO. Identifiers: MedGen C1847711, MONDO:0009789, OMIM 258660.
Bernard-Soulier syndrome, type A1. Identifiers: MedGen C3278148.

Allele frequency attached by ClinVar (database versions not stated): TOPMed below 0.00001; ExAC 0.00003; gnomAD exomes 0.00003.

Submissions (5):

ClinGen Platelet Disorders Variant Curation Expert Panel, ClinGen
Classification: Pathogenic for Bernard Soulier syndrome. Last evaluated: 2025-09-04. Review status: reviewed by expert panel. Criteria: ClinGen Platelet ACMG Specifications GP1BA V1.0.0. Collection method: curation. Allele origin: germline. Inheritance: Autosomal recessive inheritance.
Comment: The c.1620G>A (p.Trp540Ter) variant in GP1BA is a nonsense variant that may cause a premature stop codon that is predicted to escape nonsense mediated decay. However the truncation includes the functionally important transmembrane domain (removes amino acids 540-553) in a gene where loss-of-function is an established disease mechanism (PVS1_Strong; PMID:9639514). The Grpmax Filtering allele frequency in gnomAD v4.1.0 is 0.000009540 (based on 18/1179684 alleles) in the European (non-Finnish) population, which is lower than the ClinGen PD VCEP threshold (<0.0001114; PM2_Supporting). Surface expression of GP1a measured by flow cytometry in CHO cells transiently co-transfected with the p.Trp540Ter variant in GP1a and wild type GP1b, and GP9 was barely detectable compared to controls, indicating that this variant impacts protein function (PMID:9639514)(PS3_supporting). This variant has been detected in at least 6 individuals with Bernard-Soulier syndrome. At least one individual had excessive mucocutaneous bleeding and macrothrombocytopenia and absent expression of GPIba measured by flow cytometry (PP4 - PMID:25370924). Two of those individuals were homozygous for this variant (PMID:25370924, 9233564). Two individuals were compound homozygous for this variant and the p.Cys81Arg variant and confirmed in trans by family testing, but was used for that curation (PMID:25370924). Another proband (different publication and authorship) was compound homozygous for this variant and the p.Cys81Arg variant and confirmed in trans by family testing, but was used for this curation (PMID: 9639514) for a total of 2 points (PM3). The variant has been reported to segregate in a homozygous proband plus 2 compound heterozygotes (PMID:25370924) and a proband plus 1 additional compound heterozygous affected sibling (PMID: 9639514) meeting PP1_strong. In summary, this variant meets the criteria to be classified as pathogenic for Bernard-Soulier syndrome based on the ACMG/AMP criteria applied, as specified by the ClinGen PD VCEP: PVS1_strong, PM3, PP4, PP1_moderate, PM2_supporting, PS3_supporting (Platelet VCEP GP1BA specifications version 1).

Center for Genomic Medicine, Rigshospitalet, Copenhagen University Hospital
Classification: Pathogenic. Last evaluated: 2025-12-29. Review status: criteria provided, single submitter. Criteria: ACMG Guidelines, 2015. Collection method: clinical testing. Allele origin: germline. Not counted in ClinVar's aggregate classification.
Comment: Classification criteria: PVS1, PM2_Supporting, PS4_Moderate

Labcorp Genetics (formerly Invitae), Labcorp
Classification: Pathogenic. Last evaluated: 2025-04-21. Review status: criteria provided, single submitter. Criteria: Invitae Variant Classification Sherloc (09022015). Collection method: clinical testing. Allele origin: germline. Not counted in ClinVar's aggregate classification.
Comment: This sequence change creates a premature translational stop signal (p.Trp540*) in the GP1BA gene. While this is not anticipated to result in nonsense mediated decay, it is expected to disrupt the last 113 amino acid(s) of the GP1BA protein. This variant is present in population databases (rs267606849, gnomAD 0.006%). This premature translational stop signal has been observed in individual(s) with Bernard-Soulier syndrome (PMID: 9233564, 9639514). In at least one individual the data is consistent with being in trans (on the opposite chromosome) from a pathogenic variant. It has also been observed to segregate with disease in related individuals. This variant is also known as c.2078G>A (p.W498*). ClinVar contains an entry for this variant (Variation ID: 4157). Algorithms developed to predict the effect of variants on gene product structure and function are not available or were not evaluated for this variant. Experimental studies have shown that this premature translational stop signal affects GP1BA function (PMID: 9639514). For these reasons, this variant has been classified as Pathogenic.

Fulgent Genetics
Classification: Likely pathogenic for Bernard-Soulier syndrome, type A2, autosomal dominant; Pseudo von Willebrand disease; Bernard Soulier syndrome; Nonarteritic anterior ischemic optic neuropathy, susceptibility to. Last evaluated: 2024-02-15. Review status: criteria provided, single submitter. Criteria: ACMG Guidelines, 2015. Collection method: clinical testing. Allele origin: germline. Not counted in ClinVar's aggregate classification.

OMIM
Classification: Pathogenic for BERNARD-SOULIER SYNDROME, TYPE A1. Last evaluated: 1997-07-01. Review status: no assertion criteria provided. Collection method: literature only. Allele origin: germline. Not counted in ClinVar's aggregate classification.

Literature cited by the submitters: PubMed 9639514 (cited by Center for Genomic Medicine, Rigshospitalet, Copenhagen University Hospital and Labcorp Genetics (formerly Invitae), Labcorp); PubMed 9233564 (cited by 3 submitters); PubMed 1901273 (cited by OMIM).